The following is an entry in ClinVar:

ClinVar aggregate classification (germline): Conflicting classifications of pathogenicity. Review status: criteria provided, conflicting classifications (1 of 4 stars). 3 submissions from 3 submitters: Uncertain significance (2); Likely benign (1). Last evaluated 2026-01-24.

Conditions:
Inborn genetic diseases. Identifiers: MedGen C0950123, MeSH D030342.

Allele frequency attached by ClinVar (database versions not stated): TOPMed 0.00002; gnomAD 0.00003; gnomAD exomes 0.00002.

Submissions (3):

Labcorp Genetics (formerly Invitae), Labcorp
Classification: Uncertain significance. Last evaluated: 2026-01-24. Review status: criteria provided, single submitter. Criteria: Invitae Variant Classification Sherloc (09022015). Collection method: clinical testing. Allele origin: germline.
Comment: This sequence change replaces isoleucine, which is neutral and non-polar, with threonine, which is neutral and polar, at codon 258 of the KLF1 protein (p.Ile258Thr). This variant is present in population databases (no rsID available, gnomAD 0.008%). This variant has not been reported in the literature in individuals affected with KLF1-related conditions. ClinVar contains an entry for this variant (Variation ID: 2889569). Invitae Evidence Modeling of protein sequence and biophysical properties (such as structural, functional, and spatial information, amino acid conservation, physicochemical variation, residue mobility, and thermodynamic stability) indicates that this missense variant is not expected to disrupt KLF1 protein function with a negative predictive value of 80%. In summary, the available evidence is currently insufficient to determine the role of this variant in disease. Therefore, it has been classified as a Variant of Uncertain Significance.

Ambry Genetics
Classification: Likely benign for Inborn genetic diseases. Last evaluated: 2025-10-22. Review status: criteria provided, single submitter. Criteria: Ambry Variant Classification Scheme 2023. Collection method: clinical testing. Allele origin: germline.

GeneDx
Classification: Uncertain significance. Last evaluated: 2024-11-08. Review status: criteria provided, single submitter. Criteria: GeneDx Variant Classification Process June 2021. Collection method: clinical testing. Allele origin: germline. Affected: yes.
Comment: In silico analysis indicates that this missense variant does not alter protein structure/function; Has not been previously published as pathogenic or benign to our knowledge

NM_006563.5(KLF1):c.773T>C (p.Ile258Thr)

Genes: KLF1 (KLF transcription factor 1; minus strand), LOC117125591 (CRISPRi-FlowFISH-validated PRDX2 and RAD23A regulatory element; plus strand). Cytogenetic location: 19p13.13.
Variant type: single nucleotide variant.
Coding change: c.773T>C on transcript NM_006563.5 (MANE Select); coding-DNA position 773, T replaced by C.
Protein change: p.Ile258Thr; replaces isoleucine 258 with threonine.
Molecular consequence: missense variant.
Genome position (GRCh38, 1-based): chr19:12,885,457, A>G on the plus strand (T>C on the coding strand, the complement: KLF1 is on the minus strand). VCF-style: chr19-12885457-A-G. GRCh37 (hg19) VCF-style: chr19-12996271-A-G.
Other names: c.773T>C (NM_006563.3); short protein forms I258T.
Identifiers: ClinVar variation 2889569 (VCV002889569.5), dbSNP rs1452811720, ClinGen allele CA404307600.